The following is an entry in ClinVar:

NM_001365088.1(SLC12A6):c.3089T>C (p.Ile1030Thr)

Gene: SLC12A6 (solute carrier family 12 member 6; minus strand). Cytogenetic location: 15q14.
Variant type: single nucleotide variant.
Coding change: c.3089T>C on transcript NM_001365088.1 (MANE Select); coding-DNA position 3089, T replaced by C.
Protein change: p.Ile1030Thr; replaces isoleucine 1030 with threonine.
Molecular consequence: missense variant.
Genome position (GRCh38, 1-based): chr15:34,236,153, A>G on the plus strand (T>C on the coding strand, the complement: SLC12A6 is on the minus strand). VCF-style: chr15-34236153-A-G. GRCh37 (hg19) VCF-style: chr15-34528354-A-G.
Other names: c.2912T>C, p.Ile971Thr (NM_001042494.2, NM_001042495.2); c.3062T>C, p.Ile1021Thr (NM_001042496.2); c.3044T>C, p.Ile1015Thr (NM_001042497.2); c.2936T>C, p.Ile979Thr (NM_005135.2); c.3089T>C, p.Ile1030Thr (NM_133647.2); short protein forms I1015T, I1030T, I979T, I1021T, I971T.
Identifiers: ClinVar variation 2781561 (VCV002781561.3), dbSNP rs1310483754, ClinGen allele CA391617743.

ClinVar aggregate classification (germline): Uncertain significance (1 of 4 stars; one submission).

Allele frequency attached by ClinVar (database versions not stated): gnomAD exomes 0.00001.
gnomAD v4.1: 22 of 1,614,008 alleles (0.0014%); highest among the groups gnomAD compares: Non-Finnish European, 0.0017%; no homozygotes.

Submission:

Labcorp Genetics (formerly Invitae), Labcorp
Classification: Uncertain significance. Last evaluated: 2024-10-09. Review status: criteria provided, single submitter. Criteria: Invitae Variant Classification Sherloc (09022015). Collection method: clinical testing. Allele origin: germline.
Comment: This sequence change replaces isoleucine, which is neutral and non-polar, with threonine, which is neutral and polar, at codon 1030 of the SLC12A6 protein (p.Ile1030Thr). This variant is present in population databases (no rsID available, gnomAD 0.0009%). This variant has not been reported in the literature in individuals affected with SLC12A6-related conditions. Invitae Evidence Modeling of protein sequence and biophysical properties (such as structural, functional, and spatial information, amino acid conservation, physicochemical variation, residue mobility, and thermodynamic stability) indicates that this missense variant is not expected to disrupt SLC12A6 protein function with a negative predictive value of 95%. In summary, the available evidence is currently insufficient to determine the role of this variant in disease. Therefore, it has been classified as a Variant of Uncertain Significance.